The following is an entry in ClinVar:

NM_003482.4(KMT2D):c.1878G>C (p.Leu626=)

Gene: KMT2D (lysine methyltransferase 2D; minus strand). Cytogenetic location: 12q13.12.
Variant type: single nucleotide variant.
Coding change: c.1878G>C on transcript NM_003482.4 (MANE Select); coding-DNA position 1878, G replaced by C.
Protein change: p.Leu626=; no amino-acid change (leucine 626 retained).
Molecular consequence: synonymous variant.
Genome position (GRCh38, 1-based): chr12:49,051,805, C>G on the plus strand (G>C on the coding strand, the complement: KMT2D is on the minus strand). VCF-style: chr12-49051805-C-G. GRCh37 (hg19) VCF-style: chr12-49445588-C-G.
Other names: c.1878G>C (NM_003482.3).
Identifiers: ClinVar variation 1589768 (VCV001589768.9), dbSNP rs866163207, ClinGen allele CA236620106.

ClinVar aggregate classification (germline): Likely benign. Review status: criteria provided, multiple submitters, no conflicts (2 of 4 stars). 2 submissions from 2 submitters: Likely benign (2). Last evaluated 2025-03-18.

Conditions:
Kabuki syndrome. Also called: Kabuki make-up syndrome; NIIKAWA-KUROKI SYNDROME. Identifiers: Orphanet 2322, MedGen C0796004, MONDO:0016512.
KMT2D-related disorder. Also called: KMT2D-Related Disorders.

Allele frequency attached by ClinVar (database versions not stated): gnomAD exomes below 0.00001; gnomAD 0.00001.
gnomAD v4.1: 5 of 1,596,298 alleles (0.00031%); highest among the groups gnomAD compares: Middle Eastern, 0.033%; no homozygotes.

Submissions (2):

Labcorp Genetics (formerly Invitae), Labcorp
Classification: Likely benign for Kabuki syndrome. Last evaluated: 2025-03-18. Review status: criteria provided, single submitter. Criteria: Invitae Variant Classification Sherloc (09022015). Collection method: clinical testing. Allele origin: germline.

PreventionGenetics, part of Exact Sciences
Classification: Likely benign for KMT2D-related condition. Last evaluated: 2025-02-15. Review status: criteria provided, single submitter. Criteria: ACMG Guidelines, 2015. Collection method: clinical testing. Allele origin: germline.
Comment: This variant is classified as likely benign based on ACMG/AMP sequence variant interpretation guidelines (Richards et al. 2015 PMID: 25741868, with internal and published modifications).